The following is an entry in ClinVar:

ClinVar aggregate classification (germline): Uncertain significance (1 of 4 stars; one submission).

Submission:

GeneDx
Classification: Uncertain significance. Last evaluated: 2017-03-31. Review status: criteria provided, single submitter. Criteria: GeneDx Variant Classification (06012015). Collection method: clinical testing. Allele origin: germline. Affected: yes.
Comment: The W316S variant in the TBL1XR1 gene has not been reported previously as a pathogenic variant, nor as a benign variant, to our knowledge. The W316S variant is not observed in large population cohorts (Lek et al., 2016; 1000 Genomes Consortium et al., 2015; Exome Variant Server). The W316S variant is a non-conservative amino acid substitution, which is likely to impact secondary protein structure as these residues differ in polarity, charge, size and/or other properties. This substitution occurs at a position that is conserved across species. In silico analysis predicts this variant is probably damaging to the protein structure/function. We interpret W316S as a variant of uncertain significance.

NM_024665.7(TBL1XR1):c.947G>C (p.Trp316Ser)

Genes: TBL1XR1 (TBL1X/Y related 1; minus strand), TBL1XR1-AS1 (TBL1XR1 antisense RNA 1; plus strand), LOC126806878 (CDK7 strongly-dependent group 2 enhancer GRCh37_chr3:176755168-176756367; plus strand). Cytogenetic location: 3q26.32.
Variant type: single nucleotide variant.
Coding change: c.947G>C on transcript NM_024665.7 (MANE Select); coding-DNA position 947, G replaced by C.
Protein change: p.Trp316Ser; replaces tryptophan 316 with serine.
Molecular consequence: missense variant.
Genome position (GRCh38, 1-based): chr3:177,038,413, C>G on the plus strand (G>C on the coding strand, the complement: TBL1XR1 is on the minus strand). VCF-style: chr3-177038413-C-G. GRCh37 (hg19) VCF-style: chr3-176756201-C-G.
Other names: c.947G>C, p.Trp316Ser (NM_001321193.3, NM_001321194.3, NM_001374327.1 and 2 more transcripts); c.686G>C, p.Trp229Ser (NM_001321195.3, NM_001374330.1); short protein forms W316S, W229S.
Identifiers: ClinVar variation 426833 (VCV000426833.2), dbSNP rs1085307821, ClinGen allele CA355555461.
Genomic context (GRCh38, chr3:177,038,413, plus strand): 5'-AATTTACAGACATGAATGCACATATCTGTACTACAAGAAGCAAAGGTGTTGTTGCTCTGC[C>G]AATCAACATCCAATGCTGGTGCTGCAAAGGAACAAAGGTTAGATTTGCTTTTATTCCACA-3'
Protein context (NP_078941.2, residues 306-326): FHSAPALDVD[Trp316Ser]QSNNTFASCS